The following is an entry in ClinVar:

ClinVar aggregate classification (germline): Pathogenic (1 of 4 stars; one submission).

Conditions:
Early-infantile DEE. Also called: Ohtahara syndrome; Early infantile epileptic encephalopathy; Early infantile epileptic encephalopathy with suppression bursts. Identifiers: Orphanet 1934, MedGen C0393706, MONDO:0800491.

Submission:

Labcorp Genetics (formerly Invitae), Labcorp
Classification: Pathogenic for Early-infantile DEE. Last evaluated: 2024-09-20. Review status: criteria provided, single submitter. Criteria: Invitae Variant Classification Sherloc (09022015). Collection method: clinical testing. Allele origin: germline.
Comment: This sequence change creates a premature translational stop signal (p.His228Thrfs*45) in the KCNQ2 gene. It is expected to result in an absent or disrupted protein product. Loss-of-function variants in KCNQ2 are known to be pathogenic (PMID: 14534157, 23692823, 27779742). This variant is not present in population databases (gnomAD no frequency). This variant has not been reported in the literature in individuals affected with KCNQ2-related conditions. For these reasons, this variant has been classified as Pathogenic.

Literature cited by the submitters: PubMed 14534157; PubMed 23692823; PubMed 27779742.

NM_172107.4(KCNQ2):c.682del (p.His228fs)

Gene: KCNQ2 (potassium voltage-gated channel subfamily Q member 2; minus strand). Cytogenetic location: 20q13.33.
Variant type: Deletion.
Coding change: c.682del on transcript NM_172107.4 (MANE Select); coding-DNA position 682, one base deleted (C; older notation c.682delC).
Protein change: p.His228fs; shifts the reading frame from histidine 228.
Molecular consequence: frameshift variant.
Genome position (GRCh38, 1-based): chr20:63,444,667, G deleted on the plus strand (C on the coding strand, the reverse complement: KCNQ2 is on the minus strand); the first of 3 consecutive G bases (chr20:63,444,667-63,444,669); deleting any one gives the same sequence. VCF-style (leftmost placement, unchanged base first): chr20-63444666-TG-T. GRCh37 (hg19) VCF-style: chr20-62076019-TG-T.
Other names: c.682del, p.His228fs (NM_172108.5, NM_172109.3, NM_001382235.1 and 2 more transcripts); short protein forms H228fs.
Identifiers: ClinVar variation 3666465 (VCV003666465.2).